The following is an entry in ClinVar:

NM_001367624.2(ZNF469):c.8489G>C (p.Gly2830Ala)

Gene: ZNF469 (zinc finger protein 469; plus strand). Cytogenetic location: 16q24.2.
Variant type: single nucleotide variant.
Coding change: c.8489G>C on transcript NM_001367624.2 (MANE Select); coding-DNA position 8489, G replaced by C.
Protein change: p.Gly2830Ala; replaces glycine 2830 with alanine.
Molecular consequence: missense variant.
Genome position (GRCh38, 1-based): chr16:88,435,959, G>C. VCF-style: chr16-88435959-G-C. GRCh37 (hg19) VCF-style: chr16-88502367-G-C.
Other names: NM_001127464.1:c.8405G>C; NM_001127464.2:c.8405G>C; short protein forms G2830A.
Identifiers: ClinVar variation 195123 (VCV000195123.14), dbSNP rs541325052, ClinGen allele CA241404.

ClinVar aggregate classification (germline): Conflicting classifications of pathogenicity. Review status: criteria provided, conflicting classifications (1 of 4 stars). 6 submissions from 6 submitters: Uncertain significance (5); Likely benign (1). Last evaluated 2026-05-11.

Conditions:
ZNF469-related disorder. Also called: ZNF469-related condition.
Cardiovascular phenotype. Identifiers: MedGen CN230736.

Allele frequency attached by ClinVar (database versions not stated): gnomAD 0.00016; TOPMed 0.00023; 1000 Genomes Project 30x 0.00094; 1000 Genomes Project 0.00100; gnomAD exomes 0.00002; ExAC 0.00012.
gnomAD v4.1: 54 of 1,550,014 alleles (0.0035%); highest among the groups gnomAD compares: African/African-American, 0.07%; no homozygotes.

Submissions (6):

GeneDx
Classification: Uncertain significance. Last evaluated: 2026-05-11. Review status: criteria provided, single submitter. Criteria: GeneDx Variant Classification Process June 2021. Collection method: clinical testing. Allele origin: germline.
Comment: Has not been previously published as pathogenic or benign to our knowledge; In silico analysis supports that this missense variant does not alter protein structure/function

Women's Health and Genetics/Laboratory Corporation of America, LabCorp
Classification: Uncertain significance. Last evaluated: 2025-10-06. Review status: criteria provided, single submitter. Criteria: LabCorp Variant Classification Summary - May 2015. Collection method: clinical testing. Allele origin: germline.
Comment: Variant summary: ZNF469 c.8489G>C (p.Gly2830Ala) results in a non-conservative amino acid change in the encoded protein sequence. Algorithms developed to predict the effect of missense changes on protein structure and function are either unavailable or do not agree on the potential impact of this missense change. The variant allele was found at a frequency of 2e-05 in 151976 control chromosomes. The available data on variant occurrences in the general population are insufficient to allow any conclusion about variant significance. To our knowledge, no occurrence of c.8489G>C in individuals affected with ZNF469-related conditions and no experimental evidence demonstrating its impact on protein function have been reported. ClinVar contains an entry for this variant (Variation ID: 195123). Based on the evidence outlined above, the variant was classified as uncertain significance.

PreventionGenetics, part of Exact Sciences
Classification: Uncertain significance for ZNF469-related condition. Last evaluated: 2025-06-26. Review status: criteria provided, single submitter. Criteria: ACMG Guidelines, 2015. Collection method: clinical testing. Allele origin: germline.
Comment: The ZNF469 c.8405G>C variant is predicted to result in the amino acid substitution p.Gly2802Ala. To our knowledge, this variant has not been reported in the literature. This variant is reported in 0.074% of alleles in individuals of African descent in gnomAD. Although we suspect that this variant may be benign, at this time, the clinical significance of this variant is uncertain due to the absence of conclusive functional and genetic evidence.

Labcorp Genetics (formerly Invitae), Labcorp
Classification: Uncertain significance. Last evaluated: 2023-11-27. Review status: criteria provided, single submitter. Criteria: Invitae Variant Classification Sherloc (09022015). Collection method: clinical testing. Allele origin: germline.
Comment: This sequence change replaces glycine, which is neutral and non-polar, with alanine, which is neutral and non-polar, at codon 2802 of the ZNF469 protein (p.Gly2802Ala). This variant is present in population databases (rs541325052, gnomAD 0.08%). This variant has not been reported in the literature in individuals affected with ZNF469-related conditions. ClinVar contains an entry for this variant (Variation ID: 195123). An algorithm developed to predict the effect of missense changes on protein structure and function (PolyPhen-2) suggests that this variant¬†is likely to be tolerated. In summary, the available evidence is currently insufficient to determine the role of this variant in disease. Therefore, it has been classified as a Variant of Uncertain Significance.

Ambry Genetics
Classification: Likely benign for Cardiovascular phenotype. Last evaluated: 2023-06-05. Review status: criteria provided, single submitter. Criteria: Ambry Variant Classification Scheme 2023. Collection method: clinical testing. Allele origin: germline.

Eurofins Ntd Llc (ga)
Classification: Uncertain significance. Last evaluated: 2014-07-14. Review status: criteria provided, single submitter. Criteria: EGL Classification Definitions 2015. Collection method: clinical testing. Allele origin: germline. Observed: 1 variant allele, 1 heterozygote.